The following is an entry in ClinVar:

NM_012309.5(SHANK2):c.457_478del (p.Lys153fs)

Gene: SHANK2 (SH3 and multiple ankyrin repeat domains 2; minus strand). Cytogenetic location: 11q13.4.
Variant type: Deletion.
Coding change: c.457_478del on transcript NM_012309.5 (MANE Select); coding-DNA positions 457 to 478, 22 bases deleted (AAACAGTTGGCCAAGCTCCACA).
Protein change: p.Lys153fs; shifts the reading frame from lysine 153.
Molecular consequence: frameshift variant.
Genome position (GRCh38, 1-based): chr11:71,113,298-71,113,319, TGTGGAGCTTGGCCAACTGTTT deleted on the plus strand (AAACAGTTGGCCAAGCTCCACA on the coding strand, the reverse complement: SHANK2 is on the minus strand). VCF-style (leftmost placement, unchanged base first): chr11-71113297-GTGTGGAGCTTGGCCAACTGTTT-G. GRCh37 (hg19) VCF-style: chr11-70824343-GTGTGGAGCTTGGCCAACTGTTT-G.
Other names: short protein forms K153fs.
Identifiers: ClinVar variation 2663639 (VCV002663639.1), dbSNP rs2501992274, ClinGen allele CA2614852368.
Genomic context (GRCh38, chr11:71,113,297, plus strand): 5'-TAACAAGGAGGACGCCGCCTGCCTAACGTGTAAATAACAGCCCGTTCCCTGCATACCTTC[GTGTGGAGCTTGGCCAACTGTTT>G]CTCATCGAGACTGGCTTGTTTATACACCCGCTTCTTGTATCGAAACTGGCACAGAAAACA-3'

ClinVar aggregate classification (germline): Uncertain significance (1 of 4 stars; one submission).

Allele frequency attached by ClinVar (database versions not stated): gnomAD exomes below 0.00001.

Submission:

GeneDx
Classification: Uncertain significance. Last evaluated: 2022-02-03. Review status: criteria provided, single submitter. Criteria: GeneDx Variant Classification Process June 2021. Collection method: clinical testing. Allele origin: germline. Affected: yes.
Comment: Not observed at significant frequency in large population cohorts (gnomAD); Frameshift variant predicted to result in protein truncation or nonsense mediated decay in a gene for which loss-of-function is not a known mechanism of disease; Has not been previously published as pathogenic or benign to our knowledge